The following is an entry in ClinVar:

NM_001349253.2(SCN11A):c.3688A>G (p.Asn1230Asp)

Genes: SCN11A (sodium voltage-gated channel alpha subunit 11; minus strand), LOC126806652 (CDK7 strongly-dependent group 2 enhancer GRCh37_chr3:38912374-38913573; plus strand). Cytogenetic location: 3p22.2.
Variant type: single nucleotide variant.
Coding change: c.3688A>G on transcript NM_001349253.2 (MANE Select); coding-DNA position 3688, A replaced by G.
Protein change: p.Asn1230Asp; replaces asparagine 1230 with aspartic acid.
Molecular consequence: missense variant.
Genome position (GRCh38, 1-based): chr3:38,871,516, T>C on the plus strand (A>G on the coding strand, the complement: SCN11A is on the minus strand). VCF-style: chr3-38871516-T-C. GRCh37 (hg19) VCF-style: chr3-38913007-T-C.
Other names: c.3688A>G, p.Asn1230Asp (NM_014139.3); c.3688A>G (NM_014139.2); short protein forms N1230D.
Identifiers: ClinVar variation 2924930 (VCV002924930.4), dbSNP rs2065125351, ClinGen allele CA352170484.
Genomic context (GRCh38, chr3:38,871,516, plus strand): 5'-GAGCGAGGTAAGCATTTCCCACATTGTCAAAGTTGACTTTCTGGTTGATCCAAGAGAAAT[T>C]GCCACTTTCACATTGACTTTTATTTGTAATGATGGTATAATTTATAACTGAGTCTGTTCC-3'
Protein context (NP_001336182.1, residues 1220-1240): ITNKSQCESG[Asn1230Asp]FSWINQKVNF

ClinVar aggregate classification (germline): Uncertain significance. Review status: criteria provided, multiple submitters, no conflicts (2 of 4 stars). 2 submissions from 2 submitters: Uncertain significance (2). Last evaluated 2025-04-12.

Conditions:
Inborn genetic diseases. Identifiers: MedGen C0950123, MeSH D030342.
Familial episodic pain syndrome with predominantly lower limb involvement. Also called: Episodic pain syndrome, familial, 3. Identifiers: Orphanet 391384, Orphanet 391392, MedGen C3809899, MONDO:0014247, OMIM 615552.
Hereditary sensory and autonomic neuropathy type 7. Also called: Neuropathy, hereditary sensory and autonomic, type VII; HSAN VII. Identifiers: Orphanet 391397, MedGen C3809882, MONDO:0014244, OMIM 615548.

Allele frequency attached by ClinVar (database versions not stated): gnomAD exomes below 0.00001; TOPMed below 0.00001.
gnomAD v4.1: 4 of 1,613,076 alleles (0.00025%); highest among the groups gnomAD compares: Non-Finnish European, 0.00034%; no homozygotes.

Submissions (2):

Ambry Genetics
Classification: Uncertain significance for Inborn genetic diseases. Last evaluated: 2025-04-12. Review status: criteria provided, single submitter. Criteria: Ambry Variant Classification Scheme 2023. Collection method: clinical testing. Allele origin: germline.

Labcorp Genetics (formerly Invitae), Labcorp
Classification: Uncertain significance for Familial episodic pain syndrome with predominantly lower limb involvement; Hereditary sensory and autonomic neuropathy type 7. Last evaluated: 2024-10-30. Review status: criteria provided, single submitter. Criteria: Invitae Variant Classification Sherloc (09022015). Collection method: clinical testing. Allele origin: germline.
Comment: This sequence change replaces asparagine, which is neutral and polar, with aspartic acid, which is acidic and polar, at codon 1230 of the SCN11A protein (p.Asn1230Asp). This variant is not present in population databases (gnomAD no frequency). This variant has not been reported in the literature in individuals affected with SCN11A-related conditions. ClinVar contains an entry for this variant (Variation ID: 2924930). Invitae Evidence Modeling of protein sequence and biophysical properties (such as structural, functional, and spatial information, amino acid conservation, physicochemical variation, residue mobility, and thermodynamic stability) indicates that this missense variant is not expected to disrupt SCN11A protein function with a negative predictive value of 80%. In summary, the available evidence is currently insufficient to determine the role of this variant in disease. Therefore, it has been classified as a Variant of Uncertain Significance.